The following is an entry in ClinVar:

NM_001374736.1(DST):c.14336A>G (p.Asn4779Ser)

Gene: DST (dystonin; minus strand). Cytogenetic location: 6p12.1.
Variant type: single nucleotide variant.
Coding change: c.14336A>G on transcript NM_001374736.1 (MANE Select); coding-DNA position 14336, A replaced by G.
Protein change: p.Asn4779Ser; replaces asparagine 4779 with serine.
Molecular consequence: missense variant.
Genome position (GRCh38, 1-based): chr6:56,560,398, T>C on the plus strand (A>G on the coding strand, the complement: DST is on the minus strand). VCF-style: chr6-56560398-T-C. GRCh37 (hg19) VCF-style: chr6-56425196-T-C.
Other names: c.7979A>G, p.Asn2660Ser (NM_001144769.5); c.7565A>G, p.Asn2522Ser (NM_001144770.2); c.14336A>G, p.Asn4779Ser (NM_001374722.1); c.13703A>G, p.Asn4568Ser (NM_001374729.1); c.7445A>G, p.Asn2482Ser (NM_001374730.1, NM_001386100.1, NM_183380.4); c.14363A>G, p.Asn4788Ser (NM_001374734.1); c.6467A>G, p.Asn2156Ser (NM_015548.5); short protein forms N2522S, N4788S, N2482S, N2660S, N2156S, N4568S, N4779S.
Identifiers: ClinVar variation 2014950 (VCV002014950.1), dbSNP rs2535488414, ClinGen allele CA364521999.

ClinVar aggregate classification (germline): Uncertain significance (1 of 4 stars; one submission).

Conditions:
Epidermolysis bullosa simplex 3, localized or generalized intermediate, with BP230 deficiency (EBS3). Also called: Epidermolysis bullosa simplex, autosomal recessive 2; Epidermolysis bullosa simplex due to BP230 deficiency. Identifiers: Orphanet 412181, MedGen C3809470, MONDO:0014180, OMIM 615425.
Hereditary sensory and autonomic neuropathy type 6. Also called: HSAN VI; Neuropathy, hereditary sensory and autonomic, type VI. Identifiers: Orphanet 314381, MedGen C3539003, MONDO:0013839, OMIM 614653.

Submission:

Labcorp Genetics (formerly Invitae), Labcorp
Classification: Uncertain significance for Epidermolysis bullosa simplex 3, localized or generalized intermediate, with BP230 deficiency; Hereditary sensory and autonomic neuropathy type 6. Last evaluated: 2022-07-08. Review status: criteria provided, single submitter. Criteria: Invitae Variant Classification Sherloc (09022015). Collection method: clinical testing. Allele origin: germline.
Comment: The DST gene has multiple clinically relevant transcripts. This variant occurs in alternate transcript NM_015548.4, and corresponds to NM_001723.5:c.*55119A>G in the primary transcript. This sequence change replaces asparagine, which is neutral and polar, with serine, which is neutral and polar, at codon 2156 of the DST protein (p.Asn2156Ser). This variant is not present in population databases (gnomAD no frequency). This variant has not been reported in the literature in individuals affected with DST-related conditions. Experimental studies and prediction algorithms are not available or were not evaluated, and the functional significance of this variant is currently unknown. In summary, the available evidence is currently insufficient to determine the role of this variant in disease. Therefore, it has been classified as a Variant of Uncertain Significance.